The following is an entry in ClinVar:

NM_003060.4(SLC22A5):c.754T>C (p.Phe252Leu)

Gene: SLC22A5 (solute carrier family 22 member 5; plus strand). Cytogenetic location: 5q31.1.
Variant type: single nucleotide variant.
Coding change: c.754T>C on transcript NM_003060.4 (MANE Select); coding-DNA position 754, T replaced by C.
Protein change: p.Phe252Leu; replaces phenylalanine 252 with leucine.
Molecular consequence: missense variant.
Genome position (GRCh38, 1-based): chr5:132,385,429, T>C. VCF-style: chr5-132385429-T-C. GRCh37 (hg19) VCF-style: chr5-131721121-T-C.
Other names: c.754T>C (NM_003060.3); c.826T>C, p.Phe276Leu (NM_001308122.2); short protein forms F276L, F252L.
Identifiers: ClinVar variation 1440261 (VCV001440261.6), dbSNP rs1317233708, ClinGen allele CA360805147.

ClinVar aggregate classification (germline): Uncertain significance. Review status: criteria provided, multiple submitters, no conflicts (2 of 4 stars). 2 submissions from 2 submitters: Uncertain significance (2). Last evaluated 2025-06-19.

Conditions:
Inborn genetic diseases. Identifiers: MedGen C0950123, MeSH D030342.
Renal carnitine transport defect (CDSP). Also called: CARNITINE DEFICIENCY, SYSTEMIC, DUE TO DEFECT IN RENAL REABSORPTION OF CARNITINE; CARNITINE TRANSPORTER, PLASMA-MEMBRANE, DEFICIENCY OF; CARNITINE UPTAKE DEFECT; Carnitine transporter deficiency; Carnitine Deficiency, Systemic; Systemic primary carnitine deficiency. Identifiers: Orphanet 158, MedGen C0342788, MONDO:0008919, OMIM 212140.

Allele frequency attached by ClinVar (database versions not stated): TOPMed 0.00002.

Submissions (2):

Ambry Genetics
Classification: Uncertain significance for Inborn genetic diseases. Last evaluated: 2025-06-19. Review status: criteria provided, single submitter. Criteria: Ambry Variant Classification Scheme 2023. Collection method: clinical testing. Allele origin: germline.

Labcorp Genetics (formerly Invitae), Labcorp
Classification: Uncertain significance for Renal carnitine transport defect. Last evaluated: 2021-08-28. Review status: criteria provided, single submitter. Criteria: Invitae Variant Classification Sherloc (09022015). Collection method: clinical testing. Allele origin: germline.
Comment: This sequence change replaces phenylalanine with leucine at codon 252 of the SLC22A5 protein (p.Phe252Leu). The phenylalanine residue is highly conserved and there is a small physicochemical difference between phenylalanine and leucine. This variant is not present in population databases (ExAC no frequency). This variant has not been reported in the literature in individuals affected with SLC22A5-related conditions. Advanced modeling of protein sequence and biophysical properties (such as structural, functional, and spatial information, amino acid conservation, physicochemical variation, residue mobility, and thermodynamic stability) performed at Invitae indicates that this missense variant is not expected to disrupt SLC22A5 protein function. In summary, the available evidence is currently insufficient to determine the role of this variant in disease. Therefore, it has been classified as a Variant of Uncertain Significance.